The following is an entry in ClinVar:

ClinVar aggregate classification (germline): Likely benign (1 of 4 stars; one submission).

Allele frequency attached by ClinVar (database versions not stated): TOPMed 0.00008.
gnomAD v4.1: 131 of 1,613,156 alleles (0.0081%); highest among the groups gnomAD compares: Non-Finnish European, 0.0092%; no homozygotes.

Submission:

CeGaT Center for Human Genetics Tuebingen
Classification: Likely benign. Last evaluated: 2023-04-01. Review status: criteria provided, single submitter. Criteria: CeGaT Center For Human Genetics Tuebingen Variant Classification Criteria Version 2. Collection method: clinical testing. Allele origin: germline. Affected: yes. Observed: 1 variant allele.
Comment: ZNF664: BP4, BP7

NM_152437.3(ZNF664):c.537G>A (p.Ala179=)

Genes: ZNF664 (zinc finger protein 664; plus strand), ZNF664-RFLNA (ZNF664-RFLNA readthrough; plus strand). Cytogenetic location: 12q24.31.
Variant type: single nucleotide variant.
Coding change: c.537G>A on transcript NM_152437.3 (MANE Select); coding-DNA position 537, G replaced by A.
Protein change: p.Ala179=; no amino-acid change (alanine 179 retained).
Molecular consequence: synonymous variant. On other transcripts: intron variant (2).
Genome position (GRCh38, 1-based): chr12:124,012,681, G>A. VCF-style: chr12-124012681-G-A. GRCh37 (hg19) VCF-style: chr12-124497228-G-A.
Other names: c.-234+38661G>A (NM_001347902.2, NM_001204299.3); c.537G>A, p.Ala179= (NM_001204298.2).
Identifiers: ClinVar variation 2643546 (VCV002643546.24), dbSNP rs887404824, ClinGen allele CA6866802.
Genomic context (GRCh38, chr12:124,012,681, plus strand): 5'-CATGCATCAAAGAGTCCACACAGGAGAGAAACCCTATAAATGTTATGAGTGTGGGAAGGC[G>A]TTCAGTCAGAGTTCGAGCCTCTGCATCCACCAGAGAGTCCACACTGGAGAGAAACCCTAT-3'
Protein context (NP_689650.1, residues 169-189): KPYKCYECGK[Ala179=]FSQSSSLCIH